The following is an entry in ClinVar:

NM_001164508.2(NEB):c.9054C>T (p.Asp3018=)

Gene: NEB (nebulin; minus strand). Cytogenetic location: 2q23.3.
Variant type: single nucleotide variant.
Coding change: c.9054C>T on transcript NM_001164508.2 (MANE Select); coding-DNA position 9054, C replaced by T.
Protein change: p.Asp3018=; no amino-acid change (aspartic acid 3018 retained).
Molecular consequence: synonymous variant. On other transcripts: intron variant (1).
Genome position (GRCh38, 1-based): chr2:151,636,275, G>A on the plus strand (C>T on the coding strand, the complement: NEB is on the minus strand). VCF-style: chr2-151636275-G-A. GRCh37 (hg19) VCF-style: chr2-152492789-G-A.
Other names: c.9054C>T, p.Asp3018= (NM_001164507.2, NM_001271208.2); c.8853+3618C>T (NM_004543.5).
Identifiers: ClinVar variation 1116112 (VCV001116112.14), dbSNP rs748395516, ClinGen allele CA1909427.

ClinVar aggregate classification (germline): Likely benign. Review status: criteria provided, multiple submitters, no conflicts (2 of 4 stars). 3 submissions from 3 submitters: Likely benign (2). 1 of the submissions does not count toward it. Last evaluated 2025-10-06.

Conditions:
NEB-related disorder. Also called: NEB-related condition; NEB-Related Disorders.
Nemaline myopathy 2 (NEM2). Also called: Nemaline myopathy 2, autosomal recessive. Identifiers: MedGen C1850569, MONDO:0009725, OMIM 256030.

Allele frequency attached by ClinVar (database versions not stated): ExAC 0.00014.
gnomAD v4.1: 98 of 1,610,048 alleles (0.0061%); highest among the groups gnomAD compares: South Asian, 0.032%; no homozygotes.

Submissions (3):

Labcorp Genetics (formerly Invitae), Labcorp
Classification: Likely benign for Nemaline myopathy 2. Last evaluated: 2025-10-06. Review status: criteria provided, single submitter. Criteria: Invitae Variant Classification Sherloc (09022015). Collection method: clinical testing. Allele origin: germline.

GeneDx
Classification: Likely benign. Last evaluated: 2020-06-22. Review status: criteria provided, single submitter. Criteria: GeneDx Variant Classification Process June 2021. Collection method: clinical testing. Allele origin: germline. Affected: yes.

PreventionGenetics, part of Exact Sciences
Classification: Likely benign for NEB-related condition. Last evaluated: 2020-11-18. Review status: no assertion criteria provided. Collection method: clinical testing. Allele origin: germline. Not counted in ClinVar's aggregate classification.
Comment: This variant is classified as likely benign based on ACMG/AMP sequence variant interpretation guidelines (Richards et al. 2015 PMID: 25741868, with internal and published modifications).